The following is an entry in ClinVar:

NM_022095.4(ZNF335):c.2360C>T (p.Ser787Leu)

Gene: ZNF335 (zinc finger protein 335; minus strand). Cytogenetic location: 20q13.12.
Variant type: single nucleotide variant.
Coding change: c.2360C>T on transcript NM_022095.4 (MANE Select); coding-DNA position 2360, C replaced by T.
Protein change: p.Ser787Leu; replaces serine 787 with leucine.
Molecular consequence: missense variant.
Genome position (GRCh38, 1-based): chr20:45,957,668, G>A on the plus strand (C>T on the coding strand, the complement: ZNF335 is on the minus strand). VCF-style: chr20-45957668-G-A. GRCh37 (hg19) VCF-style: chr20-44586307-G-A.
Other names: c.2360C>T (NM_022095.3); short protein forms S787L.
Identifiers: ClinVar variation 2158160 (VCV002158160.6), dbSNP rs368248067, ClinGen allele CA9885383.

ClinVar aggregate classification (germline): Uncertain significance. Review status: criteria provided, multiple submitters, no conflicts (2 of 4 stars). 2 submissions from 2 submitters: Uncertain significance (2). Last evaluated 2025-10-01.

Conditions:
Inborn genetic diseases. Identifiers: MedGen C0950123, MeSH D030342.

Allele frequency attached by ClinVar (database versions not stated): ExAC 0.00003; gnomAD 0.00007; TOPMed 0.00009; ESP Exome Variant Server 0.00015; gnomAD exomes 0.00001; 1000 Genomes Project 30x 0.00016; 1000 Genomes Project 0.00020.
gnomAD v4.1: 28 of 1,614,098 alleles (0.0017%); highest among the groups gnomAD compares: African/African-American, 0.019%; no homozygotes.

Submissions (2):

Labcorp Genetics (formerly Invitae), Labcorp
Classification: Uncertain significance. Last evaluated: 2025-10-01. Review status: criteria provided, single submitter. Criteria: Invitae Variant Classification Sherloc (09022015). Collection method: clinical testing. Allele origin: germline.
Comment: This sequence change replaces serine, which is neutral and polar, with leucine, which is neutral and non-polar, at codon 787 of the ZNF335 protein (p.Ser787Leu). This variant is present in population databases (rs368248067, gnomAD 0.03%). This variant has not been reported in the literature in individuals affected with ZNF335-related conditions. ClinVar contains an entry for this variant (Variation ID: 2158160). Invitae Evidence Modeling of protein sequence and biophysical properties (such as structural, functional, and spatial information, amino acid conservation, physicochemical variation, residue mobility, and thermodynamic stability) indicates that this missense variant is not expected to disrupt ZNF335 protein function with a negative predictive value of 80%. In summary, the available evidence is currently insufficient to determine the role of this variant in disease. Therefore, it has been classified as a Variant of Uncertain Significance.

Ambry Genetics
Classification: Uncertain significance for Inborn genetic diseases. Last evaluated: 2025-08-31. Review status: criteria provided, single submitter. Criteria: Ambry Variant Classification Scheme 2023. Collection method: clinical testing. Allele origin: germline.